The following is an entry in ClinVar:

ClinVar aggregate classification (germline): Uncertain significance (1 of 4 stars; one submission).

Conditions:
D-2-hydroxyglutaric aciduria 1 (D2HGA1). Identifiers: Orphanet 79315, MedGen C3152055, MONDO:0024554, OMIM 600721.

Allele frequency attached by ClinVar (database versions not stated): gnomAD exomes below 0.00001; ExAC 0.00001; TOPMed 0.00002; gnomAD 0.00003 and 0.00004; 1000 Genomes Project 30x 0.00016; 1000 Genomes Project 0.00020.
gnomAD v4.1: 8 of 1,612,472 alleles (0.0005%); highest among the groups gnomAD compares: African/African-American, 0.011%; no homozygotes.

Submission:

Labcorp Genetics (formerly Invitae), Labcorp
Classification: Uncertain significance for D-2-hydroxyglutaric aciduria 1. Last evaluated: 2024-12-02. Review status: criteria provided, single submitter. Criteria: Invitae Variant Classification Sherloc (09022015). Collection method: clinical testing. Allele origin: germline.
Comment: This sequence change replaces glycine, which is neutral and non-polar, with alanine, which is neutral and non-polar, at codon 477 of the D2HGDH protein (p.Gly477Ala). This variant is present in population databases (rs565397135, gnomAD 0.009%). This variant has not been reported in the literature in individuals affected with D2HGDH-related conditions. ClinVar contains an entry for this variant (Variation ID: 1464857). Invitae Evidence Modeling of protein sequence and biophysical properties (such as structural, functional, and spatial information, amino acid conservation, physicochemical variation, residue mobility, and thermodynamic stability) indicates that this missense variant is expected to disrupt D2HGDH protein function with a positive predictive value of 95%. In summary, the available evidence is currently insufficient to determine the role of this variant in disease. Therefore, it has been classified as a Variant of Uncertain Significance.

NM_152783.5(D2HGDH):c.1430G>C (p.Gly477Ala)

Gene: D2HGDH (D-2-hydroxyglutarate dehydrogenase; plus strand). Cytogenetic location: 2q37.3.
Variant type: single nucleotide variant.
Coding change: c.1430G>C on transcript NM_152783.5 (MANE Select); coding-DNA position 1430, G replaced by C.
Protein change: p.Gly477Ala; replaces glycine 477 with alanine.
Molecular consequence: missense variant. On other transcripts: non-coding transcript variant (1).
Genome position (GRCh38, 1-based): chr2:241,767,833, G>C. VCF-style: chr2-241767833-G-C. GRCh37 (hg19) VCF-style: chr2-242707248-G-C.
Other names: c.1028G>C, p.Gly343Ala (NM_001287249.2); c.869G>C, p.Gly290Ala (NM_001352824.2); short protein forms G477A, G290A, G343A.
Identifiers: ClinVar variation 1464857 (VCV001464857.6), dbSNP rs565397135, ClinGen allele CA2222234.